The following is an entry in ClinVar:

ClinVar aggregate classification (germline): Pathogenic (1 of 4 stars; one submission).

Allele frequency attached by ClinVar (database versions not stated): gnomAD exomes below 0.00001.
gnomAD v4.1: 1 of 1,613,158 alleles (0.000062%); highest among the groups gnomAD compares: African/African-American, 0.0013%; no homozygotes.

Submission:

Labcorp Genetics (formerly Invitae), Labcorp
Classification: Pathogenic. Last evaluated: 2024-03-20. Review status: criteria provided, single submitter. Criteria: Invitae Variant Classification Sherloc (09022015). Collection method: clinical testing. Allele origin: germline.
Comment: This sequence change creates a premature translational stop signal (p.Cys238*) in the WISP3 gene. It is expected to result in an absent or disrupted protein product. Loss-of-function variants in WISP3 are known to be pathogenic (PMID: 22791401). This variant is not present in population databases (gnomAD no frequency). This variant has not been reported in the literature in individuals affected with WISP3-related conditions. ClinVar contains an entry for this variant (Variation ID: 954611). For these reasons, this variant has been classified as Pathogenic.

Literature cited by the submitters: PubMed 22791401.

NM_198239.2(CCN6):c.714T>A (p.Cys238Ter)

Gene: CCN6 (cellular communication network factor 6; plus strand). Cytogenetic location: 6q21.
Variant type: single nucleotide variant.
Coding change: c.714T>A on transcript NM_198239.2 (MANE Select); coding-DNA position 714, T replaced by A.
Protein change: p.Cys238Ter; replaces cysteine 238 with a stop codon.
Molecular consequence: nonsense. On other transcripts: non-coding transcript variant (2).
Genome position (GRCh38, 1-based): chr6:112,068,329, T>A. VCF-style: chr6-112068329-T-A. GRCh37 (hg19) VCF-style: chr6-112389532-T-A.
Other names: c.714T>A, p.Cys238Ter (NM_003880.4); short protein forms C238*.
Identifiers: ClinVar variation 954611 (VCV000954611.7), dbSNP rs1776761448, ClinGen allele CA365375049.
Genomic context (GRCh38, chr6:112,068,329, plus strand): 5'-CTGCTCCAGAACATGTGGGATGGGAATATCTAACAGGGTGACCAATGAAAACAGCAACTG[T>A]GAAATGAGAAAAGAGAAAAGACTGTGTTACATTCAGCCTTGCGACAGCAATATATTAAAG-3'